The following is an entry in ClinVar:

ClinVar aggregate classification (germline): Uncertain significance. Review status: criteria provided, multiple submitters, no conflicts (2 of 4 stars). 3 submissions from 3 submitters: Uncertain significance (2). 1 of the submissions does not count toward it. Last evaluated 2022-05-11.

Conditions:
Microcephaly. Also called: Microcephaly (disease). Identifiers: MedGen C4551563, MONDO:0001149, HP:0000252.
Fanconi anemia (FA). Also called: Fanconi's anemia. Identifiers: Orphanet 84, MedGen C0015625, MeSH D005199, MONDO:0019391.

Allele frequency attached by ClinVar (database versions not stated): gnomAD exomes below 0.00001 and 0.00001; ExAC 0.00001.
gnomAD v4.1: 7 of 1,614,126 alleles (0.00043%); highest among the groups gnomAD compares: East Asian, 0.013%; no homozygotes.

Submissions (3):

Labcorp Genetics (formerly Invitae), Labcorp
Classification: Uncertain significance for Fanconi anemia. Last evaluated: 2022-05-11. Review status: criteria provided, single submitter. Criteria: Invitae Variant Classification Sherloc (09022015). Collection method: clinical testing. Allele origin: germline.
Comment: This sequence change replaces leucine, which is neutral and non-polar, with valine, which is neutral and non-polar, at codon 134 of the FANCI protein (p.Leu134Val). This variant is present in population databases (rs768553208, gnomAD 0.01%). This variant has not been reported in the literature in individuals affected with FANCI-related conditions. ClinVar contains an entry for this variant (Variation ID: 813642). Algorithms developed to predict the effect of missense changes on protein structure and function are either unavailable or do not agree on the potential impact of this missense change (SIFT: "Deleterious"; PolyPhen-2: "Benign"; Align-GVGD: "Class C0"). In summary, the available evidence is currently insufficient to determine the role of this variant in disease. Therefore, it has been classified as a Variant of Uncertain Significance.

Genetic Services Laboratory, University of Chicago
Classification: Uncertain significance. Last evaluated: 2018-05-02. Review status: criteria provided, single submitter. Criteria: ACMG Guidelines, 2015. Collection method: clinical testing. Allele origin: germline. Affected: no.

Department of Pediatrics, Samsung Medical Center, Samsung Medical Center
Classification: Uncertain significance for Microcephaly. Review status: no assertion criteria provided. Criteria: ACMG Guidelines, 2015. Collection method: research. Allele origin: germline. Affected: yes. Not counted in ClinVar's aggregate classification.

NM_001113378.2(FANCI):c.400C>G (p.Leu134Val)

Gene: FANCI (FA complementation group I; plus strand). Cytogenetic location: 15q26.1.
Variant type: single nucleotide variant.
Coding change: c.400C>G on transcript NM_001113378.2 (MANE Select); coding-DNA position 400, C replaced by G.
Protein change: p.Leu134Val; replaces leucine 134 with valine.
Molecular consequence: missense variant.
Genome position (GRCh38, 1-based): chr15:89,261,696, C>G. VCF-style: chr15-89261696-C-G. GRCh37 (hg19) VCF-style: chr15-89804927-C-G.
Other names: c.121C>G, p.Leu41Val (NM_001376910.1); c.400C>G, p.Leu134Val (NM_001376911.1, NM_018193.3); short protein forms L134V, L41V.
Identifiers: ClinVar variation 813642 (VCV000813642.7), dbSNP rs768553208, ClinGen allele CA7722601.